The following is an entry in ClinVar:

NM_005475.3(SH2B3):c.1612A>T (p.Ser538Cys)

Gene: SH2B3 (SH2B adaptor protein 3; plus strand). Cytogenetic location: 12q24.12.
Variant type: single nucleotide variant.
Coding change: c.1612A>T on transcript NM_005475.3 (MANE Select); coding-DNA position 1612, A replaced by T.
Protein change: p.Ser538Cys; replaces serine 538 with cysteine.
Molecular consequence: missense variant.
Genome position (GRCh38, 1-based): chr12:111,448,186, A>T. VCF-style: chr12-111448186-A-T. GRCh37 (hg19) VCF-style: chr12-111885990-A-T.
Other names: c.1006A>T, p.Ser336Cys (NM_001291424.1); short protein forms S538C, S336C.
Identifiers: ClinVar variation 4826770 (VCV004826770.1).

ClinVar aggregate classification (germline): Uncertain significance (1 of 4 stars; one submission).

Conditions:
Inborn genetic diseases. Identifiers: MedGen C0950123, MeSH D030342.

gnomAD v4.1: 1 of 1,614,122 alleles (0.000062%); highest among the groups gnomAD compares: Non-Finnish European, 0.000085%; no homozygotes.

Submission:

Ambry Genetics
Classification: Uncertain significance for Inborn genetic diseases. Last evaluated: 2026-02-28. Review status: criteria provided, single submitter. Criteria: Ambry Variant Classification Scheme 2023. Collection method: clinical testing. Allele origin: germline.
Comment: The p.S538C variant (also known as c.1612A>T), located in coding exon 7 of the SH2B3 gene, results from an A to T substitution at nucleotide position 1612. The serine at codon 538 is replaced by cysteine, an amino acid with dissimilar properties. This amino acid position is conserved. In addition, this alteration is predicted to be tolerated by in silico analysis. Based on the available evidence, the clinical significance of this variant remains unclear.